The following is an entry in ClinVar:

ClinVar aggregate classification (germline): Likely benign (0 of 4 stars; one submission).

Conditions:
SYNE1-related disorder. Also called: SYNE1-related disease; SYNE1-related condition; SYNE1-related disorders.

Allele frequency attached by ClinVar (database versions not stated): gnomAD 0.00001.
gnomAD v4.1: 6 of 1,613,960 alleles (0.00037%); highest among the groups gnomAD compares: Non-Finnish European, 0.00051%; no homozygotes.

Submission:

PreventionGenetics, part of Exact Sciences
Classification: Likely benign for SYNE1-related condition. Last evaluated: 2019-05-24. Review status: no assertion criteria provided. Collection method: clinical testing. Allele origin: germline.
Comment: This variant is classified as likely benign based on ACMG/AMP sequence variant interpretation guidelines (Richards et al. 2015 PMID: 25741868, with internal and published modifications).

NM_182961.4(SYNE1):c.24351G>A (p.Arg8117=)

Gene: SYNE1 (spectrin repeat containing nuclear envelope protein 1; minus strand). Cytogenetic location: 6q25.2.
Variant type: single nucleotide variant.
Coding change: c.24351G>A on transcript NM_182961.4 (MANE Select); coding-DNA position 24351, G replaced by A.
Protein change: p.Arg8117=; no amino-acid change (arginine 8117 retained).
Molecular consequence: synonymous variant.
Genome position (GRCh38, 1-based): chr6:152,151,652, C>T on the plus strand (G>A on the coding strand, the complement: SYNE1 is on the minus strand). VCF-style: chr6-152151652-C-T. GRCh37 (hg19) VCF-style: chr6-152472787-C-T.
Other names: c.957G>A, p.Arg319= (NM_001347701.2); c.816G>A, p.Arg272= (NM_001347702.2); c.24138G>A, p.Arg8046= (NM_033071.5).
Identifiers: ClinVar variation 3044865 (VCV003044865.2), dbSNP rs1219971170, ClinGen allele CA452748171.